The following is an entry in ClinVar:

NM_022041.4(GAN):c.640A>G (p.Met214Val)

Gene: GAN (gigaxonin; plus strand). Cytogenetic location: 16q23.2.
Variant type: single nucleotide variant.
Coding change: c.640A>G on transcript NM_022041.4 (MANE Select); coding-DNA position 640, A replaced by G.
Protein change: p.Met214Val; replaces methionine 214 with valine.
Molecular consequence: missense variant. On other transcripts: initiator codon variant (1).
Genome position (GRCh38, 1-based): chr16:81,356,791, A>G. VCF-style: chr16-81356791-A-G. GRCh37 (hg19) VCF-style: chr16-81390396-A-G.
Other names: c.1A>G, p.Met1Val (NM_001377486.1); short protein forms M214V, M1V.
Identifiers: ClinVar variation 967575 (VCV000967575.7), dbSNP rs778132221, ClinGen allele CA8191440.
Genomic context (GRCh38, chr16:81,356,791, plus strand): 5'-TGATGTGTTGCATTTTCCATTGTTTTCGCCCCATCTTTCTTCCCTCTTCTGCAGGTCCAC[A>G]TGAAGGATGTTATGTCAGCTCTGTGGGTTTCAGGGTTGGACTCCAGTTATTTACGGGAAC-3'
Protein context (NP_071324.1, residues 204-224): AHDTEIRKVH[Met214Val]KDVMSALWVS

ClinVar aggregate classification (germline): Uncertain significance (1 of 4 stars; one submission).

Conditions:
Giant axonal neuropathy 1 (GAN1). Also called: GAN-Related Neurodegeneration; GIANT AXONAL NEUROPATHY 1, AUTOSOMAL RECESSIVE. Identifiers: Orphanet 643, MedGen C1850386, MONDO:0009749, OMIM 256850.

Allele frequency attached by ClinVar (database versions not stated): gnomAD exomes below 0.00001; ExAC 0.00001.
gnomAD v4.1: 6 of 1,609,328 alleles (0.00037%); highest among the groups gnomAD compares: South Asian, 0.0044%; no homozygotes.

Submission:

Labcorp Genetics (formerly Invitae), Labcorp
Classification: Uncertain significance for Giant axonal neuropathy 1. Last evaluated: 2021-08-27. Review status: criteria provided, single submitter. Criteria: Invitae Variant Classification Sherloc (09022015). Collection method: clinical testing. Allele origin: germline.
Comment: This sequence change replaces methionine with valine at codon 214 of the GAN protein (p.Met214Val). The methionine residue is highly conserved and there is a small physicochemical difference between methionine and valine. This variant is present in population databases (rs778132221, ExAC 0.006%). This variant has not been reported in the literature in individuals affected with GAN-related conditions. Algorithms developed to predict the effect of missense changes on protein structure and function (SIFT, PolyPhen-2, Align-GVGD) all suggest that this variant is likely to be tolerated. In summary, the available evidence is currently insufficient to determine the role of this variant in disease. Therefore, it has been classified as a Variant of Uncertain Significance.